The following is an entry in ClinVar:

ClinVar aggregate classification (germline): Uncertain significance (1 of 4 stars; one submission).

Conditions:
Ataxia-telangiectasia syndrome (AT). Also called: Cerebello-oculocutaneous telangiectasia; Immunodeficiency with ataxia telangiectasia; AT, COMPLEMENTATION GROUP C; ATAXIA-TELANGIECTASIA, COMPLEMENTATION GROUP A; ATAXIA-TELANGIECTASIA, FRESNO VARIANT; LOUIS-BAR SYNDROME. Identifiers: Orphanet 100, MedGen C0004135, MONDO:0008840, OMIM 208900.

Submission:

Labcorp Genetics (formerly Invitae), Labcorp
Classification: Uncertain significance for Ataxia-telangiectasia syndrome. Last evaluated: 2023-07-06. Review status: criteria provided, single submitter. Criteria: Invitae Variant Classification Sherloc (09022015). Collection method: clinical testing. Allele origin: germline.
Comment: This sequence change replaces tyrosine, which is neutral and polar, with phenylalanine, which is neutral and non-polar, at codon 1300 of the ATM protein (p.Tyr1300Phe). In summary, the available evidence is currently insufficient to determine the role of this variant in disease. Therefore, it has been classified as a Variant of Uncertain Significance. Algorithms developed to predict the effect of sequence changes on RNA splicing suggest that this variant may create or strengthen a splice site. Algorithms developed to predict the effect of missense changes on protein structure and function output the following: SIFT: "Not Available"; PolyPhen-2: "Benign"; Align-GVGD: "Not Available". The phenylalanine amino acid residue is found in multiple mammalian species, which suggests that this missense change does not adversely affect protein function. ClinVar contains an entry for this variant (Variation ID: 1496050). This variant has not been reported in the literature in individuals affected with ATM-related conditions. This variant is not present in population databases (gnomAD no frequency).

NM_000051.4(ATM):c.3899A>T (p.Tyr1300Phe)

Gene: ATM (ATM serine/threonine kinase; plus strand). Cytogenetic location: 11q22.3.
Variant type: single nucleotide variant.
Coding change: c.3899A>T on transcript NM_000051.4 (MANE Select); coding-DNA position 3899, A replaced by T.
Protein change: p.Tyr1300Phe; replaces tyrosine 1300 with phenylalanine.
Molecular consequence: missense variant.
Genome position (GRCh38, 1-based): chr11:108,284,379, A>T. VCF-style: chr11-108284379-A-T. GRCh37 (hg19) VCF-style: chr11-108155106-A-T.
Other names: c.3899A>T, p.Tyr1300Phe (NM_001351834.2); short protein forms Y1300F.
Identifiers: ClinVar variation 1496050 (VCV001496050.8), dbSNP rs183263185, ClinGen allele CA382525590.